The following is an entry in ClinVar:

ClinVar aggregate classification (germline): Pathogenic (1 of 4 stars; one submission).

Conditions:
Fanconi anemia (FA). Also called: Fanconi's anemia. Identifiers: Orphanet 84, MedGen C0015625, MeSH D005199, MONDO:0019391.

Submission:

Labcorp Genetics (formerly Invitae), Labcorp
Classification: Pathogenic for Fanconi anemia. Last evaluated: 2023-10-13. Review status: criteria provided, single submitter. Criteria: Invitae Variant Classification Sherloc (09022015). Collection method: clinical testing. Allele origin: unknown.
Comment: A gross deletion of the genomic region encompassing the full coding sequence of the FANCF gene has been identified. Loss-of-function variants in FANCF are known to be pathogenic (PMID: 10615118, 16084127). The boundaries of this event are unknown as they extend beyond the assayed region for this gene and therefore may encompass additional genes. This variant has not been reported in the literature in individuals affected with FANCF-related conditions. For these reasons, this variant has been classified as Pathogenic.

Literature cited by the submitters: PubMed 10615118; PubMed 16084127.

NC_000011.9:g.(?_22646232)_(22647356_?)del

Gene: FANCF (FA complementation group F; minus strand). Cytogenetic location: 11p14.3.
Variant type: Deletion.
Identifiers: ClinVar variation 3244533 (VCV003244533.1).